The following is an entry in ClinVar:

NM_018076.5(ODAD2):c.177G>T (p.Trp59Cys)

Genes: ODAD2 (outer dynein arm docking complex subunit 2; minus strand), LOC126860891 (CDK7 strongly-dependent group 2 enhancer GRCh37_chr10:28283413-28284612; plus strand). Cytogenetic location: 10p12.1.
Variant type: single nucleotide variant.
Coding change: c.177G>T on transcript NM_018076.5 (MANE Select); coding-DNA position 177, G replaced by T.
Protein change: p.Trp59Cys; replaces tryptophan 59 with cysteine.
Molecular consequence: missense variant.
Genome position (GRCh38, 1-based): chr10:27,994,966, C>A on the plus strand (G>T on the coding strand, the complement: ODAD2 is on the minus strand). VCF-style: chr10-27994966-C-A. GRCh37 (hg19) VCF-style: chr10-28283895-C-A.
Other names: c.177G>T, p.Trp59Cys (NM_001290020.2); short protein forms W59C.
Identifiers: ClinVar variation 4631631 (VCV004631631.1).

ClinVar aggregate classification (germline): Uncertain significance (1 of 4 stars; one submission).

Conditions:
Primary ciliary dyskinesia. Also called: Ciliary dyskinesia. Identifiers: Orphanet 244, MedGen C0008780, MONDO:0016575, HP:0012265.

gnomAD v4.1: 1 of 1,614,154 alleles (0.000062%); highest among the groups gnomAD compares: Admixed American, 0.0017%; no homozygotes.

Submission:

Ambry Genetics
Classification: Uncertain significance for Primary ciliary dyskinesia. Last evaluated: 2025-10-05. Review status: criteria provided, single submitter. Criteria: Ambry Variant Classification Scheme 2023. Collection method: clinical testing. Allele origin: germline.
Comment: The p.W59C variant (also known as c.177G>T), located in coding exon 1 of the ARMC4 gene, results from a G to T substitution at nucleotide position 177. The tryptophan at codon 59 is replaced by cysteine, an amino acid with highly dissimilar properties. This amino acid position is conserved. In addition, the in silico prediction for this alteration is inconclusive. Based on the available evidence, the clinical significance of this variant remains unclear.